The following is an entry in ClinVar:

NM_032043.3(BRIP1):c.1904T>C (p.Leu635Pro)

Gene: BRIP1 (BRCA1 interacting DNA helicase 1; minus strand). Cytogenetic location: 17q23.2.
Variant type: single nucleotide variant.
Coding change: c.1904T>C on transcript NM_032043.3 (MANE Select); coding-DNA position 1904, T replaced by C.
Protein change: p.Leu635Pro; replaces leucine 635 with proline.
Molecular consequence: missense variant.
Genome position (GRCh38, 1-based): chr17:61,780,292, A>G on the plus strand (T>C on the coding strand, the complement: BRIP1 is on the minus strand). VCF-style: chr17-61780292-A-G. GRCh37 (hg19) VCF-style: chr17-59857653-A-G.
Other names: short protein forms L635P.
Identifiers: ClinVar variation 1401922 (VCV001401922.9), dbSNP rs2145075890, ClinGen allele CA400479270.

ClinVar aggregate classification (germline): Uncertain significance (1 of 4 stars; one submission).

Conditions:
Familial cancer of breast. Also called: Hereditary breast cancer; hereditary breast carcinoma; BREAST CANCER, FAMILIAL. Identifiers: Orphanet 227535, MedGen C0346153, MONDO:0016419, OMIM 114480. Disease mechanism: loss of function.
Fanconi anemia complementation group J. Also called: BRIP1-Related Fanconi Anemia. Identifiers: Orphanet 84, MedGen C1836860, MONDO:0012187, OMIM 609054.

Submission:

Labcorp Genetics (formerly Invitae), Labcorp
Classification: Uncertain significance for Familial cancer of breast; Fanconi anemia complementation group J. Last evaluated: 2021-08-02. Review status: criteria provided, single submitter. Criteria: Invitae Variant Classification Sherloc (09022015). Collection method: clinical testing. Allele origin: germline.
Comment: This variant has not been reported in the literature in individuals with BRIP1-related conditions. This variant is not present in population databases (ExAC no frequency). This sequence change replaces leucine with proline at codon 635 of the BRIP1 protein (p.Leu635Pro). The leucine residue is highly conserved and there is a moderate physicochemical difference between leucine and proline. Algorithms developed to predict the effect of missense changes on protein structure and function (SIFT, PolyPhen-2, Align-GVGD) all suggest that this variant is likely to be disruptive, but these predictions have not been confirmed by published functional studies and their clinical significance is uncertain. In summary, the available evidence is currently insufficient to determine the role of this variant in disease. Therefore, it has been classified as a Variant of Uncertain Significance.